The following is an entry in ClinVar:

NM_000059.4(BRCA2):c.4352A>G (p.Asp1451Gly)

Gene: BRCA2 (BRCA2 DNA repair associated; plus strand). Cytogenetic location: 13q13.1.
Variant type: single nucleotide variant.
Coding change: c.4352A>G on transcript NM_000059.4 (MANE Select); coding-DNA position 4352, A replaced by G.
Protein change: p.Asp1451Gly; replaces aspartic acid 1451 with glycine.
Molecular consequence: missense variant.
Genome position (GRCh38, 1-based): chr13:32,338,707, A>G. VCF-style: chr13-32338707-A-G. GRCh37 (hg19) VCF-style: chr13-32912844-A-G.
Other names: short protein forms D1451G.
Identifiers: ClinVar variation 51635 (VCV000051635.13), dbSNP rs80358671, ClinGen allele CA020025.
Genomic context (GRCh38, chr13:32,338,707, plus strand): 5'-CAAGTGGGAAAAATATTAGTGTCGCCAAAGAGTCATTTAATAAAATTGTAAATTTCTTTG[A>G]TCAGAAACCAGAAGAATTGCATAACTTTTCCTTAAATTCTGAATTACATTCTGACATAAG-3'
Protein context (NP_000050.3, residues 1441-1461): ESFNKIVNFF[Asp1451Gly]QKPEELHNFS

ClinVar aggregate classification (germline): Conflicting classifications of pathogenicity. Review status: criteria provided, conflicting classifications (1 of 4 stars). 4 submissions from 4 submitters: Uncertain significance (2); Likely benign (1). 1 of the submissions does not count toward it. Last evaluated 2023-03-23.

Conditions:
Hereditary breast ovarian cancer syndrome. Also called: Hereditary breast and ovarian cancer syndrome; Hereditary breast and ovarian cancer; Hereditary breast and ovarian cancer syndrome (HBOC); Breast and ovarian cancer; Hereditary breast and/or ovarian cancer syndrome; BRCA1- and BRCA2-Associated Hereditary Breast and Ovarian Cancer. Identifiers: Orphanet 145, MedGen C0677776, MeSH D061325, MONDO:0003582. Disease mechanism: loss of function.
Breast-ovarian cancer, familial, susceptibility to, 2 (BROVCA2). Also called: BRCA2 Hereditary Breast and Ovarian Cancer. Identifiers: Orphanet 145, MedGen C2675520, MONDO:0012933, OMIM 612555. Disease mechanism: loss of function.
Hereditary cancer-predisposing syndrome. Also called: Neoplastic Syndromes, Hereditary; Tumor predisposition; Hereditary Cancer Syndrome; Hereditary neoplastic syndrome. Identifiers: Orphanet 140162, MedGen C0027672, MeSH D009386, MONDO:0015356.

Submissions (4):

University of Washington Department of Laboratory Medicine, University of Washington
Classification: Likely benign for Hereditary cancer-predisposing syndrome. Last evaluated: 2023-03-23. Review status: criteria provided, single submitter. Criteria: Dines et al. (Genet Med. 2020). Collection method: curation. Allele origin: germline.
Comment: Missense variant in a coldspot region where missense variants are very unlikely to be pathogenic (PMID:31911673).

BRCA2 exon 11 coldspot. Reclassification based on statistical prior probability.

Labcorp Genetics (formerly Invitae), Labcorp
Classification: Uncertain significance for Hereditary breast ovarian cancer syndrome. Last evaluated: 2021-01-15. Review status: criteria provided, single submitter. Criteria: Invitae Variant Classification Sherloc (09022015). Collection method: clinical testing. Allele origin: germline.
Comment: This sequence change replaces aspartic acid with glycine at codon 1451 of the BRCA2 protein (p.Asp1451Gly). The aspartic acid residue is weakly conserved and there is a moderate physicochemical difference between aspartic acid and glycine. This variant is not present in population databases (ExAC no frequency). This variant has been observed in an individual in the Breast Cancer Information Core database (PMID: 10923033). However, in that individual a pathogenic allele was also identified in the BRCA1 gene, which suggests that this c.4352A>G variant was not the primary cause of disease. ClinVar contains an entry for this variant (Variation ID: 51635). Algorithms developed to predict the effect of missense changes on protein structure and function do not agree on the potential impact of this missense change (SIFT: "Tolerated"; PolyPhen-2: "Probably Damaging"; Align-GVGD: "Class C0"). Algorithms developed to predict the effect of sequence changes on RNA splicing suggest that this variant may alter RNA splicing, but this prediction has not been confirmed by published transcriptional studies. In summary, the available evidence is currently insufficient to determine the role of this variant in disease. Therefore, it has been classified as a Variant of Uncertain Significance.

Ambry Genetics
Classification: Uncertain significance for Hereditary cancer-predisposing syndrome. Last evaluated: 2019-05-09. Review status: criteria provided, single submitter. Criteria: Ambry Variant Classification Scheme 2023. Collection method: clinical testing. Allele origin: germline.
Comment: The p.D1451G variant (also known as c.4352A>G), located in coding exon 10 of the BRCA2 gene, results from an A to G substitution at nucleotide position 4352. The aspartic acid at codon 1451 is replaced by glycine, an amino acid with similar properties. This amino acid position is not well conserved in available vertebrate species. In addition, the in silico prediction for this alteration is inconclusive. Since supporting evidence is limited at this time, the clinical significance of this alteration remains unclear.

Breast Cancer Information Core (BIC) (BRCA2)
Classification: Uncertain significance for Breast-ovarian cancer, familial 2. Last evaluated: 2002-06-20. Review status: no assertion criteria provided. Collection method: clinical testing. Allele origin: germline. Affected: yes. Observed: 1 variant allele. Not counted in ClinVar's aggregate classification.

Literature cited by the submitters: PubMed 10923033 (cited by Labcorp Genetics (formerly Invitae), Labcorp).